The following is an entry in ClinVar:

ClinVar aggregate classification (germline): Benign. Review status: criteria provided, multiple submitters, no conflicts (2 of 4 stars). 4 submissions from 4 submitters: Benign (3). 1 of the submissions does not count toward it. Last evaluated 2026-02-03.

Conditions:
SCARB1-related disorder. Also called: SCARB1-related condition.

Allele frequency attached by ClinVar (database versions not stated): ESP Exome Variant Server 0.00185; gnomAD 0.02300 and 0.02950; TOPMed 0.03874; ExAC 0.05589; gnomAD exomes 0.06372; 1000 Genomes Project 30x 0.10290; 1000 Genomes Project 0.10942.
gnomAD v4.1: 37,390 of 1,614,134 alleles (2.3%); highest among the groups gnomAD compares: East Asian, 45%; 5,836 homozygotes.

Submissions (21):

Labcorp Genetics (formerly Invitae), Labcorp
Classification: Benign. Last evaluated: 2026-02-03. Review status: criteria provided, single submitter. Criteria: Invitae Variant Classification Sherloc (09022015). Collection method: clinical testing. Allele origin: germline.

GeneDx
Classification: Benign. Last evaluated: 2018-10-26. Review status: criteria provided, single submitter. Criteria: GeneDx Variant Classification Process June 2021. Collection method: clinical testing. Allele origin: germline. Affected: yes.
Comment: This variant is associated with the following publications: (PMID: 28171541)

Breakthrough Genomics
Classification: Benign. Review status: criteria provided, single submitter. Criteria: ACMG Guidelines, 2015. Collection method: not provided. Allele origin: germline. Inheritance: Unknown mechanism. Affected: yes.

PreventionGenetics, part of Exact Sciences
Classification: Benign for SCARB1-related condition. Last evaluated: 2019-03-13. Review status: no assertion criteria provided. Collection method: clinical testing. Allele origin: germline. Not counted in ClinVar's aggregate classification.
Comment: This variant is classified as benign based on ACMG/AMP sequence variant interpretation guidelines (Richards et al. 2015 PMID: 25741868, with internal and published modifications).

Dr. Peter K. Rogan Lab, Western University
No classification provided (evidence only). Condition: Clear cell carcinoma of kidney. Review status: no classification provided. Collection method: in vitro. Allele origin: not applicable. Functional consequence: retained intron. Not counted in ClinVar's aggregate classification.

Dr. Peter K. Rogan Lab, Western University
No classification provided (evidence only). Condition: Clear cell carcinoma of kidney. Review status: no classification provided. Collection method: in vitro. Allele origin: not applicable. Functional consequence: retained intron. Not counted in ClinVar's aggregate classification.

Dr. Peter K. Rogan Lab, Western University
No classification provided (evidence only). Condition: Clear cell carcinoma of kidney. Review status: no classification provided. Collection method: in vitro. Allele origin: not applicable. Functional consequence: retained intron. Not counted in ClinVar's aggregate classification.

Dr. Peter K. Rogan Lab, Western University
No classification provided (evidence only). Condition: Clear cell carcinoma of kidney. Review status: no classification provided. Collection method: in vitro. Allele origin: not applicable. Functional consequence: retained intron. Not counted in ClinVar's aggregate classification.

Dr. Peter K. Rogan Lab, Western University
No classification provided (evidence only). Condition: Lung cancer. Review status: no classification provided. Collection method: in vitro. Allele origin: not applicable. Functional consequence: retained intron. Not counted in ClinVar's aggregate classification.

Dr. Peter K. Rogan Lab, Western University
No classification provided (evidence only). Condition: Lung cancer. Review status: no classification provided. Collection method: in vitro. Allele origin: not applicable. Functional consequence: retained intron. Not counted in ClinVar's aggregate classification.

Dr. Peter K. Rogan Lab, Western University
No classification provided (evidence only). Condition: Lung cancer. Review status: no classification provided. Collection method: in vitro. Allele origin: not applicable. Functional consequence: retained intron. Not counted in ClinVar's aggregate classification.

Dr. Peter K. Rogan Lab, Western University
No classification provided (evidence only). Condition: Melanoma. Review status: no classification provided. Collection method: in vitro. Allele origin: not applicable. Functional consequence: retained intron. Not counted in ClinVar's aggregate classification.

Dr. Peter K. Rogan Lab, Western University
No classification provided (evidence only). Condition: Melanoma. Review status: no classification provided. Collection method: in vitro. Allele origin: not applicable. Functional consequence: retained intron. Not counted in ClinVar's aggregate classification.

Dr. Peter K. Rogan Lab, Western University
No classification provided (evidence only). Condition: Acute myeloid leukemia. Review status: no classification provided. Collection method: in vitro. Allele origin: not applicable. Functional consequence: retained intron. Not counted in ClinVar's aggregate classification.

Dr. Peter K. Rogan Lab, Western University
No classification provided (evidence only). Condition: Uterine corpus endometrial carcinoma. Review status: no classification provided. Collection method: in vitro. Allele origin: not applicable. Functional consequence: retained intron. Not counted in ClinVar's aggregate classification.

Dr. Peter K. Rogan Lab, Western University
No classification provided (evidence only). Condition: Sarcoma. Review status: no classification provided. Collection method: in vitro. Allele origin: not applicable. Functional consequence: retained intron. Not counted in ClinVar's aggregate classification.

Dr. Peter K. Rogan Lab, Western University
No classification provided (evidence only). Condition: Malignant lymphoma, large B-cell, diffuse. Review status: no classification provided. Collection method: in vitro. Allele origin: not applicable. Functional consequence: retained intron. Not counted in ClinVar's aggregate classification.

Dr. Peter K. Rogan Lab, Western University
No classification provided (evidence only). Condition: Thymoma. Review status: no classification provided. Collection method: in vitro. Allele origin: not applicable. Functional consequence: retained intron. Not counted in ClinVar's aggregate classification.

Dr. Peter K. Rogan Lab, Western University
No classification provided (evidence only). Condition: Cholangiocarcinoma. Review status: no classification provided. Collection method: in vitro. Allele origin: not applicable. Functional consequence: retained intron. Not counted in ClinVar's aggregate classification.

Dr. Peter K. Rogan Lab, Western University
No classification provided (evidence only). Condition: Ovarian serous cystadenocarcinoma. Review status: no classification provided. Collection method: in vitro. Allele origin: not applicable. Functional consequence: retained intron. Not counted in ClinVar's aggregate classification.

Dr. Peter K. Rogan Lab, Western University
No classification provided (evidence only). Condition: Adrenocortical carcinoma, hereditary. Review status: no classification provided. Collection method: in vitro. Allele origin: not applicable. Functional consequence: retained intron. Not counted in ClinVar's aggregate classification.

NM_005505.5(SCARB1):c.501C>T (p.Gly167=)

Gene: SCARB1 (scavenger receptor class B member 1; minus strand). Cytogenetic location: 12q24.31.
Variant type: single nucleotide variant.
Coding change: c.501C>T on transcript NM_005505.5 (MANE Select); coding-DNA position 501, C replaced by T.
Protein change: p.Gly167=; no amino-acid change (glycine 167 retained).
Molecular consequence: synonymous variant. On other transcripts: non-coding transcript variant (9).
Genome position (GRCh38, 1-based): chr12:124,814,331, G>A on the plus strand (C>T on the coding strand, the complement: SCARB1 is on the minus strand). VCF-style: chr12-124814331-G-A. GRCh37 (hg19) VCF-style: chr12-125298877-G-A.
Other names: c.501C>T, p.Gly167= (NM_001082959.2, NM_001367981.1, NM_001367983.1 and 6 more transcripts); c.378C>T, p.Gly126= (NM_001367982.1).
Identifiers: ClinVar variation 1283188 (VCV001283188.13), dbSNP rs5889, ClinGen allele CA6870522.
Genomic context (GRCh38, chr12:124,814,331, plus strand): 5'-AAGGGGGTCCTTGTAGCCCCACATGATCTCACCCACAGTGCGGTTCATGAAGGCACGTTC[G>A]CCGAGGGTGGTGAATGCCAAGGTCATGATGAGCTTCAGGGTCATGGGCTTATTCTCCATC-3'
Protein context (NP_005496.4, residues 157-177): LIMTLAFTTL[Gly167=]ERAFMNRTVG